The following is an entry in ClinVar:

NM_006767.4(LZTR1):c.-4C>T

Genes: LZTR1 (leucine zipper like post translational regulator 1; plus strand), LOC130067016 (ATAC-STARR-seq lymphoblastoid silent region 13504; plus strand). Cytogenetic location: 22q11.21.
Variant type: single nucleotide variant.
Coding change: c.-4C>T on transcript NM_006767.4 (MANE Select); 4 bases upstream of the start codon, C replaced by T.
Molecular consequence: 5 prime UTR variant.
Genome position (GRCh38, 1-based): chr22:20,982,368, C>T. VCF-style: chr22-20982368-C-T. GRCh37 (hg19) VCF-style: chr22-21336657-C-T.
Identifiers: ClinVar variation 561803 (VCV000561803.6), dbSNP rs573275770, ClinGen allele CA10118261.

ClinVar aggregate classification (germline): Conflicting classifications of pathogenicity. Review status: criteria provided, conflicting classifications (1 of 4 stars). 2 submissions from 2 submitters: Uncertain significance (1); Likely benign (1). Last evaluated 2025-09-12.

Conditions:
Cardiovascular phenotype. Identifiers: MedGen CN230736.
Hereditary cancer-predisposing syndrome. Also called: Hereditary neoplastic syndrome; Neoplastic Syndromes, Hereditary; Tumor predisposition; Hereditary Cancer Syndrome. Identifiers: Orphanet 140162, MedGen C0027672, MeSH D009386, MONDO:0015356.

Allele frequency attached by ClinVar (database versions not stated): gnomAD exomes 0.00004; TOPMed 0.00007; ExAC 0.00008; 1000 Genomes Project 30x 0.00016; gnomAD 0.00019; 1000 Genomes Project 0.00020.

Submissions (2):

GeneDx
Classification: Uncertain significance. Last evaluated: 2025-09-12. Review status: criteria provided, single submitter. Criteria: GeneDx Variant Classification Process June 2021. Collection method: clinical testing. Allele origin: germline. Affected: yes.
Comment: Has not been previously published as pathogenic or benign to our knowledge; Alters the Kozak sequence, which plays a major role in the initiation of translation; Nucleotide substitution has no predicted effect on splicing and is not conserved across species

Ambry Genetics
Classification: Likely benign for Cardiovascular phenotype; Hereditary cancer-predisposing syndrome. Last evaluated: 2020-10-09. Review status: criteria provided, single submitter. Criteria: Ambry Variant Classification Scheme 2023. Collection method: clinical testing. Allele origin: germline.